The following is an entry in ClinVar:

ClinVar aggregate classification (germline): Likely pathogenic. Review status: reviewed by expert panel (3 of 4 stars). 2 submissions from 2 submitters: Likely pathogenic (1). 1 of the submissions does not count toward it. Last evaluated 2025-12-08.

Conditions:
Monogenic diabetes. Identifiers: Orphanet 183625, MedGen C3888631, MONDO:0015967.

Submissions (2):

ClinGen Monogenic Diabetes Variant Curation Expert Panel
Classification: Likely pathogenic for Monogenic diabetes. Last evaluated: 2025-12-08. Review status: reviewed by expert panel. Criteria: ClinGen Diabetes ACMG Specifications HNF4A V4.0.0. Collection method: curation. Allele origin: germline. Inheritance: Autosomal dominant inheritance.
Comment: The c.1310C>T variant in the hepatocyte nuclear factor 4-alpha gene, HNF4A, causes an amino acid change of proline to leucine at codon 437 (p.(Pro437Leu)) of NM_175914.5. This variant is absent from gnomAD v4.1.0 (PM2_Supporting). This variant was identified in three unrelated individuals with non-autoimmune and non-absolute/near-absolute insulin-deficient diabetes; however, PS4_Moderate cannot be applied because this number is below the ClinGen MDEP threshold (internal lab contributors). One of these individuals did have a clinical history highly specific for HNF4A-monogenic diabetes (MODY probability calculator result >50%, negative genetic testing for HNF1A, and negative antibodies) (PP4_Moderate; internal lab contributors). Additionally, this variant segregated with diabetes with four informative meioses in two families (PP1_Strong; internal lab contributors). This variant has a REVEL score of 0.164, which is between the ClinGen MDEP thresholds for BP4 and PP3, predicting neither a damaging nor benign impact on HNF4A function. Other missense variants at the same residue, c.1310C>G (p.Pro437Arg), c.1309C>T (p.Pro437Ser), and c.1309C>A (p.Pro437Thr), have been classified as VUS; therefore, PM5 will not be applied. In summary, c.1310C>T meets the criteria to be classified as likely pathogenic for monogenic diabetes. ACMG/AMP criteria applied, as specified by the ClinGen MDEP (specification version 4.0.0, approved 10/10/2025): PP1_Strong, PP4_Moderate, PM2_Supporting.

Labcorp Genetics (formerly Invitae), Labcorp
Classification: Uncertain significance. Last evaluated: 2025-11-11. Review status: criteria provided, single submitter. Criteria: Invitae Variant Classification Sherloc (09022015). Collection method: clinical testing. Allele origin: germline. Not counted in ClinVar's aggregate classification.
Comment: This sequence change replaces proline, which is neutral and non-polar, with leucine, which is neutral and non-polar, at codon 437 of the HNF4A protein (p.Pro437Leu). This variant is not present in population databases (gnomAD no frequency). This variant has not been reported in the literature in individuals affected with HNF4A-related conditions. Invitae Evidence Modeling of protein sequence and biophysical properties (such as structural, functional, and spatial information, amino acid conservation, physicochemical variation, residue mobility, and thermodynamic stability) has been performed for this missense variant. However, the output from this modeling did not meet the statistical confidence thresholds required to predict the impact of this variant on HNF4A protein function. In summary, the available evidence is currently insufficient to determine the role of this variant in disease. Therefore, it has been classified as a Variant of Uncertain Significance.

NM_175914.5(HNF4A):c.1310C>T (p.Pro437Leu)

Gene: HNF4A (hepatocyte nuclear factor 4 alpha; plus strand). Cytogenetic location: 20q13.12.
Variant type: single nucleotide variant.
Coding change: c.1310C>T on transcript NM_175914.5 (MANE Select); coding-DNA position 1310, C replaced by T.
Protein change: p.Pro437Leu; replaces proline 437 with leucine.
Molecular consequence: missense variant.
Genome position (GRCh38, 1-based): chr20:44,429,616, C>T. VCF-style: chr20-44429616-C-T. GRCh37 (hg19) VCF-style: chr20-43058256-C-T.
Other names: NM_175914.5:c.1310C>T; c.1376C>T, p.Pro459Leu (NM_000457.6); c.1280C>T, p.Pro427Leu (NM_001030003.3); c.1355C>T, p.Pro452Leu (NM_001258355.2); c.1271C>T, p.Pro424Leu (NM_001287182.2); c.1301C>T, p.Pro434Leu (NM_001287183.2); c.1346C>T, p.Pro449Leu (NM_178849.3); short protein forms P424L, P427L, P434L, P437L, P449L, P452L, P459L.
Identifiers: ClinVar variation 4540582 (VCV004540582.2).
Genomic context (GRCh38, chr20:44,429,616, plus strand): 5'-GTGGCTCAGGGTCTGAGCCCTATAAGCTCCTGCCGGGAGCCGTCGCCACAATCGTCAAGC[C>T]CCTCTCTGCCATCCCCCAGCCGACCATCACCAAGCAGGAAGTTATCTAGCAAGCCGCTGG-3'
Protein context (NP_787110.2, residues 427-447): LPGAVATIVK[Pro437Leu]LSAIPQPTIT